The following is an entry in ClinVar:

ClinVar aggregate classification (germline): Conflicting classifications of pathogenicity. Review status: criteria provided, conflicting classifications (1 of 4 stars). 4 submissions from 4 submitters: Uncertain significance (2); Likely benign (2). Last evaluated 2026-02-04.

Conditions:
NBAS-related disorder. Also called: NBAS-related condition.

Allele frequency attached by ClinVar (database versions not stated): 1000 Genomes Project 30x 0.00031; gnomAD 0.00034 and 0.00037; ESP Exome Variant Server 0.00038; 1000 Genomes Project 0.00040; gnomAD exomes 0.00054; ExAC 0.00055.
gnomAD v4.1: 686 of 1,614,066 alleles (0.043%); highest among the groups gnomAD compares: South Asian, 0.11%; 1 homozygote.

Submissions (4):

Labcorp Genetics (formerly Invitae), Labcorp
Classification: Likely benign. Last evaluated: 2026-02-04. Review status: criteria provided, single submitter. Criteria: Invitae Variant Classification Sherloc (09022015). Collection method: clinical testing. Allele origin: germline.

PreventionGenetics, part of Exact Sciences
Classification: Likely benign for NBAS-related condition. Last evaluated: 2025-05-22. Review status: criteria provided, single submitter. Criteria: ACMG Guidelines, 2015. Collection method: clinical testing. Allele origin: germline.
Comment: This variant is classified as likely benign based on ACMG/AMP sequence variant interpretation guidelines (Richards et al. 2015 PMID: 25741868, with internal and published modifications).

GeneDx
Classification: Uncertain significance. Last evaluated: 2022-04-14. Review status: criteria provided, single submitter. Criteria: GeneDx Variant Classification Process June 2021. Collection method: clinical testing. Allele origin: germline. Affected: yes.
Comment: In silico analysis supports that this missense variant has a deleterious effect on protein structure/function; Has not been previously published as pathogenic or benign to our knowledge

Revvity Omics, Revvity
Classification: Uncertain significance. Last evaluated: 2019-07-31. Review status: criteria provided, single submitter. Criteria: ACMG Guidelines, 2015. Collection method: clinical testing. Allele origin: germline.

NM_015909.4(NBAS):c.5984G>A (p.Arg1995Gln)

Gene: NBAS (NBAS subunit of NRZ tethering complex; minus strand). Cytogenetic location: 2p24.3.
Variant type: single nucleotide variant.
Coding change: c.5984G>A on transcript NM_015909.4 (MANE Select); coding-DNA position 5984, G replaced by A.
Protein change: p.Arg1995Gln; replaces arginine 1995 with glutamine.
Molecular consequence: missense variant. On other transcripts: non-coding transcript variant (1).
Genome position (GRCh38, 1-based): chr2:15,234,707, C>T on the plus strand (G>A on the coding strand, the complement: NBAS is on the minus strand). VCF-style: chr2-15234707-C-T. GRCh37 (hg19) VCF-style: chr2-15374831-C-T.
Other names: short protein forms R1995Q.
Identifiers: ClinVar variation 1081845 (VCV001081845.13), dbSNP rs140373332, ClinGen allele CA1535144.